The following is an entry in ClinVar:

NM_000283.4(PDE6B):c.1909C>A (p.Leu637Ile)

Gene: PDE6B (phosphodiesterase 6B; plus strand). Cytogenetic location: 4p16.3.
Variant type: single nucleotide variant.
Coding change: c.1909C>A on transcript NM_000283.4 (MANE Select); coding-DNA position 1909, C replaced by A.
Protein change: p.Leu637Ile; replaces leucine 637 with isoleucine.
Molecular consequence: missense variant.
Genome position (GRCh38, 1-based): chr4:663,176, C>A. VCF-style: chr4-663176-C-A. GRCh37 (hg19) VCF-style: chr4-656965-C-A.
Other names: c.1909C>A, p.Leu637Ile (NM_001145291.2); c.1072C>A, p.Leu358Ile (NM_001145292.2, NM_001350154.3, NM_001379246.1 and 1 more transcripts); c.754C>A, p.Leu252Ile (NM_001350155.3); short protein forms L358I, L637I, L252I.
Identifiers: ClinVar variation 2179972 (VCV002179972.5), dbSNP rs771559007, ClinGen allele CA2794745.
Genomic context (GRCh38, chr4:663,176, plus strand): 5'-GCTAAGCTCCACGGCTCCTCGATTTTGGAGCGGCACCACCTGGAGTTTGGGAAGTTCCTG[C>A]TCTCGGAGGAGGTTGGTATACTCACCCTCGGTTTCTGCTGTGGGCGCTGGGGACGCAGCG-3'
Protein context (NP_000274.3, residues 627-647): RHHLEFGKFL[Leu637Ile]SEETLNIYQN

ClinVar aggregate classification (germline): Uncertain significance. Review status: criteria provided, multiple submitters, no conflicts (2 of 4 stars). 2 submissions from 2 submitters: Uncertain significance (2). Last evaluated 2025-11-05.

Allele frequency attached by ClinVar (database versions not stated): ExAC 0.00002.
gnomAD v4.1: 9 of 1,598,568 alleles (0.00056%); highest among the groups gnomAD compares: Non-Finnish European, 0.00069%; no homozygotes.

Submissions (2):

Labcorp Genetics (formerly Invitae), Labcorp
Classification: Uncertain significance. Last evaluated: 2025-11-05. Review status: criteria provided, single submitter. Criteria: Invitae Variant Classification Sherloc (09022015). Collection method: clinical testing. Allele origin: germline.
Comment: This sequence change replaces leucine, which is neutral and non-polar, with isoleucine, which is neutral and non-polar, at codon 637 of the PDE6B protein (p.Leu637Ile). This variant is present in population databases (rs771559007, gnomAD 0.003%). This variant has not been reported in the literature in individuals affected with PDE6B-related conditions. ClinVar contains an entry for this variant (Variation ID: 2179972). Invitae Evidence Modeling of protein sequence and biophysical properties (such as structural, functional, and spatial information, amino acid conservation, physicochemical variation, residue mobility, and thermodynamic stability) indicates that this missense variant is not expected to disrupt PDE6B protein function with a negative predictive value of 80%. In summary, the available evidence is currently insufficient to determine the role of this variant in disease. Therefore, it has been classified as a Variant of Uncertain Significance.

Blueprint Genetics
Classification: Uncertain significance. Last evaluated: 2018-11-06. Review status: criteria provided, single submitter. Criteria: ACMG Guidelines, 2015. Collection method: clinical testing. Allele origin: germline.